The following is an entry in ClinVar:

ClinVar aggregate classification (germline): Uncertain significance. Review status: criteria provided, multiple submitters, no conflicts (2 of 4 stars). 2 submissions from 2 submitters: Uncertain significance (2). Last evaluated 2025-02-12.

Submissions (2):

Labcorp Genetics (formerly Invitae), Labcorp
Classification: Uncertain significance. Last evaluated: 2025-02-12. Review status: criteria provided, single submitter. Criteria: Invitae Variant Classification Sherloc (09022015). Collection method: clinical testing. Allele origin: germline.
Comment: This sequence change replaces asparagine, which is neutral and polar, with lysine, which is basic and polar, at codon 544 of the SCN3A protein (p.Asn544Lys). This variant is not present in population databases (gnomAD no frequency). This variant has not been reported in the literature in individuals affected with SCN3A-related conditions. ClinVar contains an entry for this variant (Variation ID: 1801151). Invitae Evidence Modeling of protein sequence and biophysical properties (such as structural, functional, and spatial information, amino acid conservation, physicochemical variation, residue mobility, and thermodynamic stability) indicates that this missense variant is not expected to disrupt SCN3A protein function with a negative predictive value of 95%. In summary, the available evidence is currently insufficient to determine the role of this variant in disease. Therefore, it has been classified as a Variant of Uncertain Significance.

GeneDx
Classification: Uncertain significance. Last evaluated: 2022-05-24. Review status: criteria provided, single submitter. Criteria: GeneDx Variant Classification Process June 2021. Collection method: clinical testing. Allele origin: germline. Affected: yes.
Comment: Not observed at significant frequency in large population cohorts (gnomAD); In silico analysis supports that this missense variant has a deleterious effect on protein structure/function; Has not been previously published as pathogenic or benign to our knowledge

NM_006922.4(SCN3A):c.1632C>G (p.Asn544Lys)

Gene: SCN3A (sodium voltage-gated channel alpha subunit 3; minus strand). Cytogenetic location: 2q24.3.
Variant type: single nucleotide variant.
Coding change: c.1632C>G on transcript NM_006922.4 (MANE Select); coding-DNA position 1632, C replaced by G.
Protein change: p.Asn544Lys; replaces asparagine 544 with lysine.
Molecular consequence: missense variant.
Genome position (GRCh38, 1-based): chr2:165,146,778, G>C on the plus strand (C>G on the coding strand, the complement: SCN3A is on the minus strand). VCF-style: chr2-165146778-G-C. GRCh37 (hg19) VCF-style: chr2-166003288-G-C.
Other names: c.1632C>G, p.Asn544Lys (NM_001081676.2, NM_001081677.2); short protein forms N544K.
Identifiers: ClinVar variation 1801151 (VCV001801151.2), dbSNP rs2468361447, ClinGen allele CA349236319.